The following is an entry in ClinVar:

NM_000252.3(MTM1):c.1580G>A (p.Ser527Asn)

Gene: MTM1 (myotubularin 1; plus strand). Cytogenetic location: Xq28.
Variant type: single nucleotide variant.
Coding change: c.1580G>A on transcript NM_000252.3 (MANE Select); coding-DNA position 1580, G replaced by A.
Protein change: p.Ser527Asn; replaces serine 527 with asparagine.
Molecular consequence: missense variant.
Genome position (GRCh38, 1-based): chrX:150,663,545, G>A. VCF-style: chrX-150663545-G-A. GRCh37 (hg19) VCF-style: chrX-149832018-G-A.
Other names: c.1580G>A, p.Ser527Asn (NM_001376906.1, NM_001376908.1); c.1469G>A, p.Ser490Asn (NM_001376907.1); short protein forms S490N, S527N.
Identifiers: ClinVar variation 2632572 (VCV002632572.1), dbSNP rs2040258736, ClinGen allele CA415260339.
Genomic context (GRCh38, chrX:150,663,545, plus strand): 5'-AAAAATTCAAAAACCCCTTCTATACTAAAGAAATCAATCGAGTTTTATATCCAGTTGCCA[G>A]TATGCGTCACTTGGAACTCTGGGTGAATTACTACATTAGATGGAACCCCAGGATCAAGCA-3'
Protein context (NP_000243.1, residues 517-537): EINRVLYPVA[Ser527Asn]MRHLELWVNY

ClinVar aggregate classification (germline): Uncertain significance (1 of 4 stars; one submission).

Conditions:
MTM1-related disorder. Also called: MTM1-related condition.

Allele frequency attached by ClinVar (database versions not stated): gnomAD 0.00001.
gnomAD v4.1: 1 of 1,210,032 alleles (0.000083%); highest among the groups gnomAD compares: Admixed American, 0.0022%; no homozygotes.

Submission:

PreventionGenetics, part of Exact Sciences
Classification: Uncertain significance for MTM1-related condition. Last evaluated: 2023-07-05. Review status: criteria provided, single submitter. Criteria: ACMG Guidelines, 2015. Collection method: clinical testing. Allele origin: germline.
Comment: The MTM1 c.1580G>A variant is predicted to result in the amino acid substitution p.Ser527Asn. To our knowledge, this variant has not been reported in the literature or in a large population database, indicating this variant is rare. At this time, the clinical significance of this variant is uncertain due to the absence of conclusive functional and genetic evidence.